The following is an entry in ClinVar:

NM_002291.3(LAMB1):c.2383C>G (p.Arg795Gly)

Gene: LAMB1 (laminin subunit beta 1; minus strand). Cytogenetic location: 7q31.1.
Variant type: single nucleotide variant.
Coding change: c.2383C>G on transcript NM_002291.3 (MANE Select); coding-DNA position 2383, C replaced by G.
Protein change: p.Arg795Gly; replaces arginine 795 with glycine.
Molecular consequence: missense variant.
Genome position (GRCh38, 1-based): chr7:107,959,766, G>C on the plus strand (C>G on the coding strand, the complement: LAMB1 is on the minus strand). VCF-style: chr7-107959766-G-C. GRCh37 (hg19) VCF-style: chr7-107600211-G-C.
Other names: short protein forms R795G.
Identifiers: ClinVar variation 383717 (VCV000383717.24), dbSNP rs80095409, ClinGen allele CA4435658.

ClinVar aggregate classification (germline): Benign/Likely benign. Review status: criteria provided, multiple submitters, no conflicts (2 of 4 stars). 4 submissions from 4 submitters: Benign (3); Likely benign (1). Last evaluated 2026-08-01.

Allele frequency attached by ClinVar (database versions not stated): 1000 Genomes Project 0.00379; 1000 Genomes Project 30x 0.00406; TOPMed 0.00942; ESP Exome Variant Server 0.01069; gnomAD 0.01076.
gnomAD v4.1: 20,587 of 1,614,002 alleles (1.3%); highest among the groups gnomAD compares: Non-Finnish European, 1.4%; 165 homozygotes.

Submissions (4):

CeGaT Center for Human Genetics Tuebingen
Classification: Likely benign. Last evaluated: 2026-08-01. Review status: criteria provided, single submitter. Criteria: CeGaT Center For Human Genetics Tuebingen Variant Classification Criteria Version 2. Collection method: clinical testing. Allele origin: germline. Affected: yes. Observed: 12 variant alleles.
Comment: LAMB1: PM5, BS1, BS2

Labcorp Genetics (formerly Invitae), Labcorp
Classification: Benign. Last evaluated: 2026-02-03. Review status: criteria provided, single submitter. Criteria: Invitae Variant Classification Sherloc (09022015). Collection method: clinical testing. Allele origin: germline.

GeneDx
Classification: Benign. Last evaluated: 2016-04-05. Review status: criteria provided, single submitter. Criteria: GeneDx Variant Classification (06012015). Collection method: clinical testing. Allele origin: germline. Affected: yes.
Comment: This variant is considered likely benign or benign based on one or more of the following criteria: it is a conservative change, it occurs at a poorly conserved position in the protein, it is predicted to be benign by multiple in silico algorithms, and/or has population frequency not consistent with disease.

Breakthrough Genomics
Classification: Benign. Review status: criteria provided, single submitter. Criteria: ACMG Guidelines, 2015. Collection method: not provided. Allele origin: germline. Inheritance: Autosomal recessive inheritance. Affected: yes.